The following is an entry in ClinVar:

NM_032228.6(FAR1):c.169G>A (p.Glu57Lys)

Gene: FAR1 (fatty acyl-CoA reductase 1; plus strand). Cytogenetic location: 11p15.3.
Variant type: single nucleotide variant.
Coding change: c.169G>A on transcript NM_032228.6 (MANE Select); coding-DNA position 169, G replaced by A.
Protein change: p.Glu57Lys; replaces glutamic acid 57 with lysine.
Molecular consequence: missense variant.
Genome position (GRCh38, 1-based): chr11:13,694,934, G>A. VCF-style: chr11-13694934-G-A. GRCh37 (hg19) VCF-style: chr11-13716481-G-A.
Other names: short protein forms E57K.
Identifiers: ClinVar variation 1522849 (VCV001522849.8), dbSNP rs1848291417, ClinGen allele CA379856253.

ClinVar aggregate classification (germline): Uncertain significance (1 of 4 stars; one submission).

Allele frequency attached by ClinVar (database versions not stated): TOPMed below 0.00001.

Submission:

Labcorp Genetics (formerly Invitae), Labcorp
Classification: Uncertain significance. Last evaluated: 2022-03-19. Review status: criteria provided, single submitter. Criteria: Invitae Variant Classification Sherloc (09022015). Collection method: clinical testing. Allele origin: germline.
Comment: Algorithms developed to predict the effect of missense changes on protein structure and function (SIFT, PolyPhen-2, Align-GVGD) all suggest that this variant is likely to be tolerated. This variant has not been reported in the literature in individuals affected with FAR1-related conditions. This variant is not present in population databases (gnomAD no frequency). This sequence change replaces glutamic acid, which is acidic and polar, with lysine, which is basic and polar, at codon 57 of the FAR1 protein (p.Glu57Lys). In summary, the available evidence is currently insufficient to determine the role of this variant in disease. Therefore, it has been classified as a Variant of Uncertain Significance.